The following is an entry in ClinVar:

ClinVar aggregate classification (germline): Uncertain significance (1 of 4 stars; one submission).

Conditions:
Bloom syndrome (BLM). Also called: Bloom-Torre-Machacek syndrome. Identifiers: Orphanet 125, MedGen C0005859, MONDO:0008876, OMIM 210900.

Allele frequency attached by ClinVar (database versions not stated): TOPMed below 0.00001; gnomAD 0.00001.
gnomAD v4.1: 1 of 1,613,934 alleles (0.000062%); highest among the groups gnomAD compares: Non-Finnish European, 0.000085%; no homozygotes.

Submission:

Labcorp Genetics (formerly Invitae), Labcorp
Classification: Uncertain significance for Bloom syndrome. Last evaluated: 2024-10-30. Review status: criteria provided, single submitter. Criteria: Invitae Variant Classification Sherloc (09022015). Collection method: clinical testing. Allele origin: germline.
Comment: This sequence change replaces isoleucine, which is neutral and non-polar, with valine, which is neutral and non-polar, at codon 943 of the BLM protein (p.Ile943Val). This variant is not present in population databases (gnomAD no frequency). This variant has not been reported in the literature in individuals affected with BLM-related conditions. ClinVar contains an entry for this variant (Variation ID: 953967). Invitae Evidence Modeling of protein sequence and biophysical properties (such as structural, functional, and spatial information, amino acid conservation, physicochemical variation, residue mobility, and thermodynamic stability) indicates that this missense variant is not expected to disrupt BLM protein function with a negative predictive value of 80%. In summary, the available evidence is currently insufficient to determine the role of this variant in disease. Therefore, it has been classified as a Variant of Uncertain Significance.

NM_000057.4(BLM):c.2827A>G (p.Ile943Val)

Gene: BLM (BLM RecQ like helicase; plus strand). Cytogenetic location: 15q26.1.
Variant type: single nucleotide variant.
Coding change: c.2827A>G on transcript NM_000057.4 (MANE Select); coding-DNA position 2827, A replaced by G.
Protein change: p.Ile943Val; replaces isoleucine 943 with valine.
Molecular consequence: missense variant.
Genome position (GRCh38, 1-based): chr15:90,790,652, A>G. VCF-style: chr15-90790652-A-G. GRCh37 (hg19) VCF-style: chr15-91333882-A-G.
Other names: c.2827A>G, p.Ile943Val (NM_001287246.2, NM_001287247.2); c.1702A>G, p.Ile568Val (NM_001287248.2); short protein forms I568V, I943V.
Identifiers: ClinVar variation 953967 (VCV000953967.8), dbSNP rs1301812486, ClinGen allele CA393846222.